The following is an entry in ClinVar:

ClinVar aggregate classification (germline): Uncertain significance (1 of 4 stars; one submission).

Conditions:
Distal myopathy with posterior leg and anterior hand involvement. Also called: WILLIAMS DISTAL MYOPATHY. Identifiers: Orphanet 63273, MedGen C3279722, MONDO:0013550, OMIM 614065.
Myofibrillar myopathy 5. Also called: Filaminopathy (type); FILAMINOPATHY, AUTOSOMAL DOMINANT. Identifiers: Orphanet 171445, MedGen C1836050, MONDO:0012289, OMIM 609524.
Hypertrophic cardiomyopathy 26. Also called: Cardiomyopathy, familial hypertrophic, 26. Identifiers: Orphanet 75249, MedGen C4310749, MONDO:0014883, OMIM 617047.

Submission:

Labcorp Genetics (formerly Invitae), Labcorp
Classification: Uncertain significance for Distal myopathy with posterior leg and anterior hand involvement; Myofibrillar myopathy 5; Hypertrophic cardiomyopathy 26. Last evaluated: 2022-01-08. Review status: criteria provided, single submitter. Criteria: Invitae Variant Classification Sherloc (09022015). Collection method: clinical testing. Allele origin: germline.
Comment: This sequence change replaces glycine, which is neutral and non-polar, with arginine, which is basic and polar, at codon 802 of the FLNC protein (p.Gly802Arg). This variant is not present in population databases (gnomAD no frequency). This variant has not been reported in the literature in individuals affected with FLNC-related conditions. Algorithms developed to predict the effect of missense changes on protein structure and function are either unavailable or do not agree on the potential impact of this missense change (SIFT: "Deleterious"; PolyPhen-2: "Probably Damaging"; Align-GVGD: "Class C0"). In summary, the available evidence is currently insufficient to determine the role of this variant in disease. Therefore, it has been classified as a Variant of Uncertain Significance.

NM_001458.5(FLNC):c.2404G>C (p.Gly802Arg)

Gene: FLNC (filamin C; plus strand). Cytogenetic location: 7q32.1.
Variant type: single nucleotide variant.
Coding change: c.2404G>C on transcript NM_001458.5 (MANE Select); coding-DNA position 2404, G replaced by C.
Protein change: p.Gly802Arg; replaces glycine 802 with arginine.
Molecular consequence: missense variant.
Genome position (GRCh38, 1-based): chr7:128,842,808, G>C. VCF-style: chr7-128842808-G-C. GRCh37 (hg19) VCF-style: chr7-128482862-G-C.
Other names: c.2404G>C, p.Gly802Arg (NM_001127487.2); short protein forms G802R.
Identifiers: ClinVar variation 2077954 (VCV002077954.4), dbSNP rs371398126, ClinGen allele CA369191541.